The following is an entry in ClinVar:

NM_025150.5(TARS2):c.630+3G>C

Gene: TARS2 (threonyl-tRNA synthetase 2, mitochondrial; plus strand). Cytogenetic location: 1q21.2.
Variant type: single nucleotide variant.
Coding change: c.630+3G>C on transcript NM_025150.5 (MANE Select); 3 bases into the intron after coding-DNA position 630, G replaced by C.
Molecular consequence: intron variant.
Genome position (GRCh38, 1-based): chr1:150,491,514, G>C. VCF-style: chr1-150491514-G-C. GRCh37 (hg19) VCF-style: chr1-150463990-G-C.
Other names: c.630+3G>C (NM_001271895.2, NM_001271896.2).
Identifiers: ClinVar variation 1386636 (VCV001386636.6), dbSNP rs776715197, ClinGen allele CA2479181826.

ClinVar aggregate classification (germline): Uncertain significance (1 of 4 stars; one submission).

Submission:

Labcorp Genetics (formerly Invitae), Labcorp
Classification: Uncertain significance. Last evaluated: 2022-08-16. Review status: criteria provided, single submitter. Criteria: Invitae Variant Classification Sherloc (09022015). Collection method: clinical testing. Allele origin: germline.
Comment: This variant is not present in population databases (gnomAD no frequency). This variant has not been reported in the literature in individuals affected with TARS2-related conditions. ClinVar contains an entry for this variant (Variation ID: 1386636). Variants that disrupt the consensus splice site are a relatively common cause of aberrant splicing (PMID: 17576681, 9536098). Algorithms developed to predict the effect of sequence changes on RNA splicing suggest that this variant is not likely to affect RNA splicing. In summary, the available evidence is currently insufficient to determine the role of this variant in disease. Therefore, it has been classified as a Variant of Uncertain Significance. This sequence change falls in intron 5 of the TARS2 gene. It does not directly change the encoded amino acid sequence of the TARS2 protein. It affects a nucleotide within the consensus splice site.

Literature cited by the submitters: PubMed 17576681; PubMed 9536098.